The following is an entry in ClinVar:

ClinVar aggregate classification (germline): Uncertain significance (1 of 4 stars; one submission).

Conditions:
Hereditary spastic paraplegia 30. Identifiers: Orphanet 101010, MedGen C5235139, MONDO:0012476.
Neuropathy, hereditary sensory, type 2C. Also called: Hereditary sensory and autonomic neuropathy type IIC; KIF1A-Related HSAN2 (HSAN2C). Identifiers: Orphanet 970, MedGen C3280168, MONDO:0013634, OMIM 614213.
Intellectual disability, autosomal dominant 9 (NESCAVS). Also called: NESCAV SYNDROME; KIF1A-Related Neurodevelopmental Disorder. Identifiers: Orphanet 662367, MedGen C5393830, MONDO:0013656, OMIM 614255.

gnomAD v4.1: 1 of 1,613,588 alleles (0.000062%); highest among the groups gnomAD compares: Non-Finnish European, 0.000085%; no homozygotes.

Submission:

Labcorp Genetics (formerly Invitae), Labcorp
Classification: Uncertain significance for Hereditary spastic paraplegia 30; Neuropathy, hereditary sensory, type 2C; Intellectual disability, autosomal dominant 9. Last evaluated: 2022-10-26. Review status: criteria provided, single submitter. Criteria: Invitae Variant Classification Sherloc (09022015). Collection method: clinical testing. Allele origin: germline.
Comment: Advanced modeling of protein sequence and biophysical properties (such as structural, functional, and spatial information, amino acid conservation, physicochemical variation, residue mobility, and thermodynamic stability) performed at Invitae indicates that this missense variant is expected to disrupt KIF1A protein function. This sequence change replaces proline, which is neutral and non-polar, with alanine, which is neutral and non-polar, at codon 403 of the KIF1A protein (p.Pro403Ala). This variant is not present in population databases (gnomAD no frequency). This variant has not been reported in the literature in individuals affected with KIF1A-related conditions. In summary, the available evidence is currently insufficient to determine the role of this variant in disease. Therefore, it has been classified as a Variant of Uncertain Significance.

NM_001244008.2(KIF1A):c.1234C>G (p.Pro412Ala)

Gene: KIF1A (kinesin family member 1A; minus strand). Cytogenetic location: 2q37.3.
Variant type: single nucleotide variant.
Coding change: c.1234C>G on transcript NM_001244008.2 (MANE Select); coding-DNA position 1234, C replaced by G.
Protein change: p.Pro412Ala; replaces proline 412 with alanine.
Molecular consequence: missense variant.
Genome position (GRCh38, 1-based): chr2:240,771,078, G>C on the plus strand (C>G on the coding strand, the complement: KIF1A is on the minus strand). VCF-style: chr2-240771078-G-C. GRCh37 (hg19) VCF-style: chr2-241710495-G-C.
Other names: c.1234C>G, p.Pro412Ala (NM_001320705.2, NM_001330289.2, NM_001379638.1); c.1309C>G, p.Pro437Ala (NM_001330290.2, NM_001379631.1, NM_001379634.1 and 2 more transcripts); c.1207C>G, p.Pro403Ala (NM_001379632.1, NM_001379633.1, NM_001379636.1 and 11 more transcripts); c.1282C>G, p.Pro428Ala (NM_001379637.1, NM_001379648.1); short protein forms P412A, P403A, P437A, P428A.
Identifiers: ClinVar variation 2188738 (VCV002188738.4), dbSNP rs763360043, ClinGen allele CA351330616.